The following is an entry in ClinVar:

NM_004304.5(ALK):c.1710G>A (p.Glu570=)

Gene: ALK (ALK receptor tyrosine kinase; minus strand). Cytogenetic location: 2p23.2.
Variant type: single nucleotide variant.
Coding change: c.1710G>A on transcript NM_004304.5 (MANE Select); coding-DNA position 1710, G replaced by A.
Protein change: p.Glu570=; no amino-acid change (glutamic acid 570 retained).
Molecular consequence: synonymous variant.
Genome position (GRCh38, 1-based): chr2:29,296,995, C>T on the plus strand (G>A on the coding strand, the complement: ALK is on the minus strand). VCF-style: chr2-29296995-C-T. GRCh37 (hg19) VCF-style: chr2-29519861-C-T.
Identifiers: ClinVar variation 538302 (VCV000538302.33), dbSNP rs751328130, ClinGen allele CA1594554.

ClinVar aggregate classification (germline): Likely benign. Review status: criteria provided, multiple submitters, no conflicts (2 of 4 stars). 4 submissions from 4 submitters: Likely benign (4). Last evaluated 2025-09-10.

Conditions:
Hereditary cancer-predisposing syndrome. Also called: Hereditary Cancer Syndrome; Tumor predisposition; Neoplastic Syndromes, Hereditary; Hereditary neoplastic syndrome. Identifiers: Orphanet 140162, MedGen C0027672, MeSH D009386, MONDO:0015356.
Neuroblastoma, susceptibility to, 3. Also called: ALK-Related Neuroblastic Tumor Susceptibility. Identifiers: Orphanet 635, MedGen C2751681, MONDO:0013083, OMIM 613014.

Allele frequency attached by ClinVar (database versions not stated): gnomAD exomes 0.00001 and 0.00002; ExAC 0.00003.
gnomAD v4.1: 7 of 1,614,218 alleles (0.00043%); highest among the groups gnomAD compares: Middle Eastern, 0.099%; no homozygotes.

Submissions (4):

Labcorp Genetics (formerly Invitae), Labcorp
Classification: Likely benign for Neuroblastoma, susceptibility to, 3. Last evaluated: 2025-09-10. Review status: criteria provided, single submitter. Criteria: Invitae Variant Classification Sherloc (09022015). Collection method: clinical testing. Allele origin: germline.

CeGaT Center for Human Genetics Tuebingen
Classification: Likely benign. Last evaluated: 2024-06-01. Review status: criteria provided, single submitter. Criteria: CeGaT Center For Human Genetics Tuebingen Variant Classification Criteria Version 2. Collection method: clinical testing. Allele origin: germline. Affected: yes. Observed: 1 variant allele.
Comment: ALK: BP4

Blueprint Genetics
Classification: Likely benign. Last evaluated: 2024-04-26. Review status: criteria provided, single submitter. Criteria: ACMG Guidelines, 2015. Collection method: clinical testing. Allele origin: germline.

Ambry Genetics
Classification: Likely benign for Hereditary cancer-predisposing syndrome. Last evaluated: 2022-05-16. Review status: criteria provided, single submitter. Criteria: Ambry Variant Classification Scheme 2023. Collection method: clinical testing. Allele origin: germline.